The following is an entry in ClinVar:

ClinVar aggregate classification (germline): Uncertain significance. Review status: criteria provided, multiple submitters, no conflicts (2 of 4 stars). 3 submissions from 3 submitters: Uncertain significance (3). Last evaluated 2022-09-22.

Conditions:
Idiopathic generalized epilepsy. Also called: EIG; Generalised epilepsy. Identifiers: MedGen C0270850, MONDO:0005579, OMIM 600669.
Hyperaldosteronism, familial, type IV (HALD4). Also called: FH IV; ALDOSTERONISM, PRIMARY, AND HYPERTENSION. Identifiers: Orphanet 642671, MedGen C4310756, MONDO:0014875, OMIM 617027.
Inborn genetic diseases. Identifiers: MedGen C0950123, MeSH D030342.
Epilepsy, childhood absence, susceptibility to, 6. Identifiers: Orphanet 64280, MedGen C2749872, MONDO:0012763, OMIM 611942.

Allele frequency attached by ClinVar (database versions not stated): gnomAD exomes 0.00001; TOPMed 0.00002; gnomAD 0.00003 and 0.00004.

Submissions (3):

Ambry Genetics
Classification: Uncertain significance for Inborn genetic diseases. Last evaluated: 2022-09-22. Review status: criteria provided, single submitter. Criteria: Ambry Variant Classification Scheme 2023. Collection method: clinical testing. Allele origin: germline.

Labcorp Genetics (formerly Invitae), Labcorp
Classification: Uncertain significance for Idiopathic generalized epilepsy; Hyperaldosteronism, familial, type IV. Last evaluated: 2022-07-05. Review status: criteria provided, single submitter. Criteria: Invitae Variant Classification Sherloc (09022015). Collection method: clinical testing. Allele origin: germline.
Comment: In summary, the available evidence is currently insufficient to determine the role of this variant in disease. Therefore, it has been classified as a Variant of Uncertain Significance. Advanced modeling of protein sequence and biophysical properties (such as structural, functional, and spatial information, amino acid conservation, physicochemical variation, residue mobility, and thermodynamic stability) performed at Invitae indicates that this missense variant is not expected to disrupt CACNA1H protein function. ClinVar contains an entry for this variant (Variation ID: 529578). This variant has not been reported in the literature in individuals affected with CACNA1H-related conditions. The frequency data for this variant in the population databases is considered unreliable, as metrics indicate poor data quality at this position in the gnomAD database. This sequence change replaces arginine, which is basic and polar, with histidine, which is basic and polar, at codon 1596 of the CACNA1H protein (p.Arg1596His).

Fulgent Genetics
Classification: Uncertain significance for Epilepsy, childhood absence, susceptibility to, 6; Hyperaldosteronism, familial, type IV. Last evaluated: 2022-02-03. Review status: criteria provided, single submitter. Criteria: ACMG Guidelines, 2015. Collection method: clinical testing. Allele origin: unknown.

NM_021098.3(CACNA1H):c.4787G>A (p.Arg1596His)

Gene: CACNA1H (calcium voltage-gated channel subunit alpha1 H; plus strand). Cytogenetic location: 16p13.3.
Variant type: single nucleotide variant.
Coding change: c.4787G>A on transcript NM_021098.3 (MANE Select); coding-DNA position 4787, G replaced by A.
Protein change: p.Arg1596His; replaces arginine 1596 with histidine.
Molecular consequence: missense variant.
Genome position (GRCh38, 1-based): chr16:1,213,789, G>A. VCF-style: chr16-1213789-G-A. GRCh37 (hg19) VCF-style: chr16-1263789-G-A.
Other names: c.4769G>A, p.Arg1590His (NM_001005407.2); short protein forms R1596H, R1590H.
Identifiers: ClinVar variation 529578 (VCV000529578.10), dbSNP rs1458781875, ClinGen allele CA394145119.